The following is an entry in ClinVar:

ClinVar aggregate classification (germline): Pathogenic (1 of 4 stars; one submission).

Conditions:
Autosomal recessive polycystic kidney disease (ARPKD). Also called: AR polycystic kidney disease. Identifiers: Orphanet 731, Orphanet 8378, MedGen C0085548, MeSH D017044, MONDO:0009889.

Submission:

Labcorp Genetics (formerly Invitae), Labcorp
Classification: Pathogenic for Autosomal recessive polycystic kidney disease. Last evaluated: 2021-04-20. Review status: criteria provided, single submitter. Criteria: Invitae Variant Classification Sherloc (09022015). Collection method: clinical testing. Allele origin: germline.
Comment: This variant disrupts the initiator methionine in PKHD1. If translation initiates from the next in-frame methionine, the PKHD1 protein would no longer include the region containing the p.Leu8 amino acid residue. Other variant(s) that disrupt this residue have been observed in individuals with PKHD1-related conditions (Invitae), which suggests that this residue is clinically significant, and that variants that disrupt this residue are likely to be disease-causing. For these reasons, this variant has been classified as Pathogenic. Disruption of the initiator codon has been observed in individual(s) with autosomal recessive polycystic kidney disease (PMID: 27225849). In at least one individual the data is consistent with the variant being in trans (on the opposite chromosome) from a pathogenic variant. This variant is not present in population databases (ExAC no frequency). This sequence change affects the initiator methionine of the PKHD1 mRNA. The next in-frame methionine is located at codon 9.

Literature cited by the submitters: PubMed 27225849.

NM_138694.4(PKHD1):c.2T>C (p.Met1Thr)

Gene: PKHD1 (PKHD1 ciliary IPT domain containing fibrocystin/polyductin; minus strand). Cytogenetic location: 6p12.2.
Variant type: single nucleotide variant.
Coding change: c.2T>C on transcript NM_138694.4 (MANE Select); coding-DNA position 2, T replaced by C.
Protein change: p.Met1Thr; changes the start codon (methionine 1).
Molecular consequence: missense variant, initiator codon variant.
Genome position (GRCh38, 1-based): chr6:52,084,932, A>G on the plus strand (T>C on the coding strand, the complement: PKHD1 is on the minus strand). VCF-style: chr6-52084932-A-G. GRCh37 (hg19) VCF-style: chr6-51949730-A-G.
Other names: c.2T>C, p.Met1Thr (NM_170724.3); short protein forms M1T.
Identifiers: ClinVar variation 1066549 (VCV001066549.8), dbSNP rs2128246846, ClinGen allele CA364441158.